The following is an entry in ClinVar:

ClinVar aggregate classification (germline): Uncertain significance (1 of 4 stars; one submission).

Allele frequency attached by ClinVar (database versions not stated): 1000 Genomes Project 30x 0.00016; 1000 Genomes Project 0.00020.
gnomAD v4.1: 13 of 1,613,596 alleles (0.00081%); highest among the groups gnomAD compares: African/African-American, 0.017%; no homozygotes.

Submission:

Labcorp Genetics (formerly Invitae), Labcorp
Classification: Uncertain significance. Last evaluated: 2024-03-30. Review status: criteria provided, single submitter. Criteria: Invitae Variant Classification Sherloc (09022015). Collection method: clinical testing. Allele origin: germline.
Comment: This sequence change falls in intron 7 of the DNAJC17 gene. It does not directly change the encoded amino acid sequence of the DNAJC17 protein. This variant is present in population databases (rs145731701, gnomAD 0.02%). This variant has not been reported in the literature in individuals affected with DNAJC17-related conditions. ClinVar contains an entry for this variant (Variation ID: 1901421). Algorithms developed to predict the effect of sequence changes on RNA splicing suggest that this variant may disrupt the consensus splice site. In summary, the available evidence is currently insufficient to determine the role of this variant in disease. Therefore, it has been classified as a Variant of Uncertain Significance.

NM_018163.3(DNAJC17):c.523-18A>T

Gene: DNAJC17 (DnaJ heat shock protein family (Hsp40) member C17; minus strand). Cytogenetic location: 15q15.1.
Variant type: single nucleotide variant.
Coding change: c.523-18A>T on transcript NM_018163.3 (MANE Select); 18 bases into the intron before coding-DNA position 523, A replaced by T.
Molecular consequence: intron variant.
Genome position (GRCh38, 1-based): chr15:40,775,126, T>A on the plus strand (A>T on the coding strand, the complement: DNAJC17 is on the minus strand). VCF-style: chr15-40775126-T-A. GRCh37 (hg19) VCF-style: chr15-41067324-T-A.
Identifiers: ClinVar variation 1901421 (VCV001901421.5), dbSNP rs145731701, ClinGen allele CA7485099.
Genomic context (GRCh38, chr15:40,775,126, plus strand): 5'-AGCCACCTTTTGACTCATCCTCCTTCTTGCACTTCCATTTTAGCTGAAAAGAGAGCCTCA[T>A]GAAACACTGATTCTTGGCTGAACAGTACCTCACCCCACGACTGAGCTTGACAGTCTGAGC-3'